The following is an entry in ClinVar:

ClinVar aggregate classification (germline): Pathogenic. Review status: reviewed by expert panel (3 of 4 stars). 4 submissions from 4 submitters: Pathogenic (1). 3 of the submissions do not count toward it. Last evaluated 2016-10-18.

Conditions:
Breast-ovarian cancer, familial, susceptibility to, 2 (BROVCA2). Also called: BRCA2 Hereditary Breast and Ovarian Cancer. Identifiers: Orphanet 145, MedGen C2675520, MONDO:0012933, OMIM 612555. Disease mechanism: loss of function.
Hereditary cancer-predisposing syndrome. Also called: Hereditary neoplastic syndrome; Neoplastic Syndromes, Hereditary; Tumor predisposition; Hereditary Cancer Syndrome. Identifiers: Orphanet 140162, MedGen C0027672, MeSH D009386, MONDO:0015356.
Hereditary breast ovarian cancer syndrome. Also called: BRCA1- and BRCA2-Associated Hereditary Breast and Ovarian Cancer; Hereditary breast and ovarian cancer; Breast and ovarian cancer; Hereditary breast and/or ovarian cancer syndrome; Hereditary breast and ovarian cancer syndrome; Hereditary breast and ovarian cancer syndrome (HBOC). Identifiers: Orphanet 145, MedGen C0677776, MeSH D061325, MONDO:0003582. Disease mechanism: loss of function.

Submissions (4):

Evidence-based Network for the Interpretation of Germline Mutant Alleles (ENIGMA)
Classification: Pathogenic for Breast-ovarian cancer, familial, susceptibility to, 2. Last evaluated: 2016-10-18. Review status: reviewed by expert panel. Criteria: ENIGMA BRCA1/2 Classification Criteria (2015). Collection method: curation. Allele origin: germline.
Comment: Variant allele predicted to encode a truncated non-functional protein.

Ambry Genetics
Classification: Pathogenic for Hereditary cancer-predisposing syndrome. Last evaluated: 2022-07-20. Review status: criteria provided, single submitter. Criteria: Ambry Variant Classification Scheme 2023. Collection method: clinical testing. Allele origin: germline. Not counted in ClinVar's aggregate classification.
Comment: The c.7002delC pathogenic mutation, located in coding exon 12 of the BRCA2 gene, results from a deletion of one nucleotide at nucleotide position 7002, causing a translational frameshift with a predicted alternate stop codon (p.R2336Afs*31). This alteration is expected to result in loss of function by premature protein truncation or nonsense-mediated mRNA decay. As such, this alteration is interpreted as a disease-causing mutation.

Consortium of Investigators of Modifiers of BRCA1/2 (CIMBA), c/o University of Cambridge
Classification: Pathogenic for Breast-ovarian cancer, familial, susceptibility to, 2. Last evaluated: 2015-10-02. Review status: criteria provided, single submitter. Criteria: CIMBA Mutation Classification guidelines May 2016. Collection method: clinical testing. Allele origin: germline. Not counted in ClinVar's aggregate classification.

Research Molecular Genetics Laboratory, Women's College Hospital, University of Toronto
Classification: Pathogenic for Hereditary breast ovarian cancer syndrome. Last evaluated: 2014-01-31. Review status: no assertion criteria provided. Collection method: research. Allele origin: germline. Affected: yes. Study: The Canadian Open Genetics Repository (COGR). Not counted in ClinVar's aggregate classification.

NM_000059.4(BRCA2):c.7002del (p.Arg2336fs)

Gene: BRCA2 (BRCA2 DNA repair associated; plus strand). Cytogenetic location: 13q13.1.
Variant type: Deletion.
Coding change: c.7002del on transcript NM_000059.4 (MANE Select); coding-DNA position 7002, one base deleted (C; older notation c.7002delC).
Protein change: p.Arg2336fs; shifts the reading frame from arginine 2336.
Molecular consequence: frameshift variant.
Genome position (GRCh38, 1-based): chr13:32,346,891, C deleted; the last of 3 consecutive C bases (chr13:32,346,889-32,346,891); deleting any one gives the same sequence. VCF-style (leftmost placement, unchanged base first): chr13-32346888-AC-A. GRCh37 (hg19) VCF-style: chr13-32921025-AC-A.
Other names: 7230delC; c.7002delC (NM_000059.3).
Identifiers: ClinVar variation 266979 (VCV000266979.7), dbSNP rs869040376, ClinGen allele CA10589406.
Genomic context (GRCh38, chr13:32,346,888, plus strand): 5'-CACAATAAAAGATCGAAGATTGTTTATGCATCATGTTTCTTTAGAGCCGATTACCTGTGT[AC>A]CCTTTCGGTAAGACATGTTTAAATTTTTCTAAATTCTAATACAGTATGAGAAAAGTCTCG-3'